The following is an entry in ClinVar:

NM_001378452.1(ITPR1):c.7025G>A (p.Arg2342Gln)

Gene: ITPR1 (inositol 1,4,5-trisphosphate receptor type 1; plus strand). Cytogenetic location: 3p26.1.
Variant type: single nucleotide variant.
Coding change: c.7025G>A on transcript NM_001378452.1 (MANE Select); coding-DNA position 7025, G replaced by A.
Protein change: p.Arg2342Gln; replaces arginine 2342 with glutamine.
Molecular consequence: missense variant.
Genome position (GRCh38, 1-based): chr3:4,800,518, G>A. VCF-style: chr3-4800518-G-A. GRCh37 (hg19) VCF-style: chr3-4842202-G-A.
Other names: c.6881G>A, p.Arg2294Gln (NM_001099952.4); c.6980G>A, p.Arg2327Gln (NM_001168272.2); c.6836G>A, p.Arg2279Gln (NM_002222.7); short protein forms R2342Q, R2279Q, R2327Q, R2294Q.
Identifiers: ClinVar variation 1981333 (VCV001981333.4), dbSNP rs1298061041, ClinGen allele CA351643745.
Genomic context (GRCh38, chr3:4,800,518, plus strand): 5'-GGACAGCCATGCTCATCTCTCTGGCCATCGTCATTGCCCTCCCCAAGCCCCATGGCATCC[G>A]GGCCTTAATTGCCTCCACAATTCTACGACTGATATTTTCAGTCGGGTTACAACCCACGTT-3'
Protein context (NP_001365381.1, residues 2332-2352): VIALPKPHGI[Arg2342Gln]ALIASTILRL

ClinVar aggregate classification (germline): Uncertain significance (1 of 4 stars; one submission).

Allele frequency attached by ClinVar (database versions not stated): gnomAD 0.00001; gnomAD exomes 0.00001; TOPMed 0.00001.
gnomAD v4.1: 12 of 1,613,852 alleles (0.00074%); highest among the groups gnomAD compares: South Asian, 0.0022%; 1 homozygote.

Submission:

Labcorp Genetics (formerly Invitae), Labcorp
Classification: Uncertain significance. Last evaluated: 2023-04-22. Review status: criteria provided, single submitter. Criteria: Invitae Variant Classification Sherloc (09022015). Collection method: clinical testing. Allele origin: germline.
Comment: Advanced modeling of protein sequence and biophysical properties (such as structural, functional, and spatial information, amino acid conservation, physicochemical variation, residue mobility, and thermodynamic stability) has been performed at Invitae for this missense variant, however the output from this modeling did not meet the statistical confidence thresholds required to predict the impact of this variant on ITPR1 protein function. In summary, the available evidence is currently insufficient to determine the role of this variant in disease. Therefore, it has been classified as a Variant of Uncertain Significance. ClinVar contains an entry for this variant (Variation ID: 1981333). This variant is present in population databases (no rsID available, gnomAD 0.0008%). This sequence change replaces arginine, which is basic and polar, with glutamine, which is neutral and polar, at codon 2279 of the ITPR1 protein (p.Arg2279Gln). This variant has not been reported in the literature in individuals affected with ITPR1-related conditions.